The following is an entry in ClinVar:

ClinVar aggregate classification (germline): Uncertain significance (1 of 4 stars; one submission).

Allele frequency attached by ClinVar (database versions not stated): gnomAD 0.00002; TOPMed 0.00002; ESP Exome Variant Server 0.00008.
gnomAD v4.1: 39 of 1,610,484 alleles (0.0024%); highest among the groups gnomAD compares: Non-Finnish European, 0.00059%; no homozygotes.

Submission:

Labcorp Genetics (formerly Invitae), Labcorp
Classification: Uncertain significance. Last evaluated: 2025-02-11. Review status: criteria provided, single submitter. Criteria: Invitae Variant Classification Sherloc (09022015). Collection method: clinical testing. Allele origin: germline.
Comment: This sequence change replaces glutamine, which is neutral and polar, with histidine, which is basic and polar, at codon 99 of the WDR1 protein (p.Gln99His). This variant is present in population databases (rs372849742, gnomAD 0.1%). This variant has not been reported in the literature in individuals affected with WDR1-related conditions. ClinVar contains an entry for this variant (Variation ID: 2201422). An algorithm developed to predict the effect of missense changes on protein structure and function (PolyPhen-2) suggests that this variant is likely to be disruptive. In summary, the available evidence is currently insufficient to determine the role of this variant in disease. Therefore, it has been classified as a Variant of Uncertain Significance.

NM_017491.5(WDR1):c.297G>C (p.Gln99His)

Gene: WDR1 (WD repeat domain 1; minus strand). Cytogenetic location: 4p16.1.
Variant type: single nucleotide variant.
Coding change: c.297G>C on transcript NM_017491.5 (MANE Select); coding-DNA position 297, G replaced by C.
Protein change: p.Gln99His; replaces glutamine 99 with histidine.
Molecular consequence: missense variant. On other transcripts: intron variant (1).
Genome position (GRCh38, 1-based): chr4:10,099,072, C>G on the plus strand (G>C on the coding strand, the complement: WDR1 is on the minus strand). VCF-style: chr4-10099072-C-G. GRCh37 (hg19) VCF-style: chr4-10100696-C-G.
Other names: c.139-10331G>C (NM_005112.5); short protein forms Q99H.
Identifiers: ClinVar variation 2201422 (VCV002201422.2), dbSNP rs372849742, ClinGen allele CA2858115.